The following is an entry in ClinVar:

ClinVar aggregate classification (germline): Likely benign (0 of 4 stars; one submission).

Conditions:
DISP3-related disorder. Also called: DISP3-related condition.

Allele frequency attached by ClinVar (database versions not stated): ExAC 0.00002; gnomAD 0.00003; gnomAD exomes 0.00004.
gnomAD v4.1: 59 of 1,591,754 alleles (0.0037%); highest among the groups gnomAD compares: Middle Eastern, 0.017%; no homozygotes.

Submission:

PreventionGenetics, part of Exact Sciences
Classification: Likely benign for DISP3-related condition. Last evaluated: 2019-10-28. Review status: no assertion criteria provided. Collection method: clinical testing. Allele origin: germline.
Comment: This variant is classified as likely benign based on ACMG/AMP sequence variant interpretation guidelines (Richards et al. 2015 PMID: 25741868, with internal and published modifications).

NM_020780.2(DISP3):c.585C>T (p.Pro195=)

Gene: DISP3 (dispatched RND transporter family member 3; plus strand). Cytogenetic location: 1p36.22.
Variant type: single nucleotide variant.
Coding change: c.585C>T on transcript NM_020780.2 (MANE Select); coding-DNA position 585, C replaced by T.
Protein change: p.Pro195=; no amino-acid change (proline 195 retained).
Molecular consequence: synonymous variant.
Genome position (GRCh38, 1-based): chr1:11,501,577, C>T. VCF-style: chr1-11501577-C-T. GRCh37 (hg19) VCF-style: chr1-11561634-C-T.
Identifiers: ClinVar variation 3045877 (VCV003045877.2), dbSNP rs780588416, ClinGen allele CA591423.